The following is an entry in ClinVar:

NM_001270.4(CHD1):c.3728A>G (p.His1243Arg)

Gene: CHD1 (chromodomain helicase DNA binding protein 1; minus strand). Cytogenetic location: 5q15.
Variant type: single nucleotide variant.
Coding change: c.3728A>G on transcript NM_001270.4 (MANE Select); coding-DNA position 3728, A replaced by G.
Protein change: p.His1243Arg; replaces histidine 1243 with arginine.
Molecular consequence: missense variant. On other transcripts: non-coding transcript variant (2).
Genome position (GRCh38, 1-based): chr5:98,872,184, T>C on the plus strand (A>G on the coding strand, the complement: CHD1 is on the minus strand). VCF-style: chr5-98872184-T-C. GRCh37 (hg19) VCF-style: chr5-98207888-T-C.
Other names: c.3728A>G, p.His1243Arg (NM_001364113.3, NM_001376194.2); short protein forms H1243R.
Identifiers: ClinVar variation 4881124 (VCV004881124.2).
Genomic context (GRCh38, chr5:98,872,184, plus strand): 5'-ATTAACAAATTGGAATCATCTTCTTTGCCCCAGTCTATATCAAAATGAGCTGCCTTTGTG[T>C]GGCATGGGATAGTATACCTGGCATCAAAGTTAATAACTAATGATAAGTTTGTAATTGCCT-3'
Protein context (NP_001261.2, residues 1233-1253): EERKQYTIPC[His1243Arg]TKAAHFDIDW

ClinVar aggregate classification (germline): Uncertain significance (1 of 4 stars; one submission).

gnomAD v4.1: 1 of 1,613,292 alleles (0.000062%); highest among the groups gnomAD compares: East Asian, 0.0022%; no homozygotes.

Submission:

Dasa
Classification: Uncertain significance. Last evaluated: 2025-06-14. Review status: criteria provided, single submitter. Criteria: DASA Assertion Criteria. Collection method: clinical testing. Allele origin: germline.
Comment: NM_001270.4(CHD1):c.3728A>G (p.His1243Arg) is a missense variant that results in the substitution of histidine with arginine. This variant is rare in population databases. The currently available literature and clinical evidence are not sufficient to establish a definitive association between this variant and the reported condition. Therefore, this variant is classified as a variant of uncertain significance.